The following is an entry in ClinVar:

ClinVar aggregate classification (germline): Uncertain significance (1 of 4 stars; one submission).

Conditions:
Cardiovascular phenotype. Identifiers: MedGen CN230736.

Allele frequency attached by ClinVar (database versions not stated): gnomAD 0.00001; gnomAD exomes 0.00003; ExAC 0.00008.
gnomAD v4.1: 41 of 1,612,948 alleles (0.0025%); highest among the groups gnomAD compares: South Asian, 0.043%; no homozygotes.

Submission:

Ambry Genetics
Classification: Uncertain significance for Cardiovascular phenotype. Last evaluated: 2022-07-06. Review status: criteria provided, single submitter. Criteria: Ambry Variant Classification Scheme 2023. Collection method: clinical testing. Allele origin: germline.
Comment: The p.I200V variant (also known as c.598A>G), located in coding exon 6 of the AKAP9 gene, results from an A to G substitution at nucleotide position 598. The isoleucine at codon 200 is replaced by valine, an amino acid with highly similar properties. This amino acid position is conserved. In addition, this alteration is predicted to be tolerated by in silico analysis. Since supporting evidence is limited at this time, the clinical significance of this alteration remains unclear.

NM_005751.5(AKAP9):c.598A>G (p.Ile200Val)

Gene: AKAP9 (A-kinase anchoring protein 9; plus strand). Cytogenetic location: 7q21.2.
Variant type: single nucleotide variant.
Coding change: c.598A>G on transcript NM_005751.5 (MANE Select); coding-DNA position 598, A replaced by G.
Protein change: p.Ile200Val; replaces isoleucine 200 with valine.
Molecular consequence: missense variant.
Genome position (GRCh38, 1-based): chr7:91,994,642, A>G. VCF-style: chr7-91994642-A-G. GRCh37 (hg19) VCF-style: chr7-91623956-A-G.
Other names: c.598A>G, p.Ile200Val (NM_147185.3); short protein forms I200V.
Identifiers: ClinVar variation 1750875 (VCV001750875.2), dbSNP rs772261291, ClinGen allele CA4335867.